The following is an entry in ClinVar:

ClinVar aggregate classification (germline): Uncertain significance. Review status: criteria provided, multiple submitters, no conflicts (2 of 4 stars). 5 submissions from 5 submitters: Uncertain significance (4). 1 of the submissions does not count toward it. Last evaluated 2026-01-05.

Conditions:
Hereditary cancer-predisposing syndrome. Also called: Hereditary neoplastic syndrome; Neoplastic Syndromes, Hereditary; Tumor predisposition; Hereditary Cancer Syndrome. Identifiers: Orphanet 140162, MedGen C0027672, MeSH D009386, MONDO:0015356.
Familial cancer of breast. Also called: BREAST CANCER, FAMILIAL; Hereditary breast cancer; hereditary breast carcinoma. Identifiers: Orphanet 227535, MedGen C0346153, MONDO:0016419, OMIM 114480. Disease mechanism: loss of function.
Ataxia-telangiectasia syndrome (AT). Also called: LOUIS-BAR SYNDROME; Cerebello-oculocutaneous telangiectasia; Immunodeficiency with ataxia telangiectasia; AT, COMPLEMENTATION GROUP C; Ataxia-telangiectasia, complementation group D; ATAXIA-TELANGIECTASIA, COMPLEMENTATION GROUP A. Identifiers: Orphanet 100, MedGen C0004135, MONDO:0008840, OMIM 208900.

Submissions (5):

KCCC/NGS Laboratory, Kuwait Cancer Control Center
Classification: Uncertain significance for Familial cancer of breast. Last evaluated: 2026-01-05. Review status: criteria provided, single submitter. Criteria: ACMG Guidelines, 2015. Collection method: clinical testing. Allele origin: germline. Inheritance: Autosomal dominant inheritance. Affected: yes.
Comment: the available evidence is currently insufficient to determine the role of this variant in disease. Therefore, it has been classified as a Variant of Uncertain Significance.

Women's Health and Genetics/Laboratory Corporation of America, LabCorp
Classification: Uncertain significance. Last evaluated: 2025-02-13. Review status: criteria provided, single submitter. Criteria: LabCorp Variant Classification Summary - May 2015. Collection method: clinical testing. Allele origin: germline.

Ambry Genetics
Classification: Uncertain significance for Hereditary cancer-predisposing syndrome. Last evaluated: 2024-10-25. Review status: criteria provided, single submitter. Criteria: Ambry Variant Classification Scheme 2023. Collection method: clinical testing. Allele origin: germline.
Comment: The c.662+4A>G intronic variant results from an A to G substitution 4 nucleotides after coding exon 5 in the ATM gene. This nucleotide position is highly conserved in available vertebrate species. In silico splice site analysis predicts that this alteration may weaken the native splice donor site; however, direct evidence is insufficient at this time (Ambry internal data). Based on the available evidence, the clinical significance of this variant remains unclear.

Labcorp Genetics (formerly Invitae), Labcorp
Classification: Uncertain significance for Ataxia-telangiectasia syndrome. Last evaluated: 2024-07-15. Review status: criteria provided, single submitter. Criteria: Invitae Variant Classification Sherloc (09022015). Collection method: clinical testing. Allele origin: germline.
Comment: This sequence change falls in intron 6 of the ATM gene. It does not directly change the encoded amino acid sequence of the ATM protein. RNA analysis indicates that this variant induces altered splicing and may result in an absent or altered protein product. This variant is not present in population databases (gnomAD no frequency). This variant has not been reported in the literature in individuals affected with ATM-related conditions. ClinVar contains an entry for this variant (Variation ID: 481350). Variants that disrupt the consensus splice site are a relatively common cause of aberrant splicing (PMID: 17576681, 9536098). Studies have shown that this variant results in skipping of exon 6 , and produces a non-functional protein and/or introduces a premature termination codon (Invitae). In summary, the available evidence is currently insufficient to determine the role of this variant in disease. Therefore, it has been classified as a Variant of Uncertain Significance.

Natera, Inc.
Classification: Uncertain significance for Ataxia-telangiectasia. Last evaluated: 2020-09-16. Review status: no assertion criteria provided. Collection method: clinical testing. Allele origin: germline. Not counted in ClinVar's aggregate classification.

Literature cited by the submitters: PubMed 17576681 (cited by Labcorp Genetics (formerly Invitae), Labcorp); PubMed 9536098 (cited by Labcorp Genetics (formerly Invitae), Labcorp).

NM_000051.4(ATM):c.662+4A>G

Gene: ATM (ATM serine/threonine kinase; plus strand). Cytogenetic location: 11q22.3.
Variant type: single nucleotide variant.
Coding change: c.662+4A>G on transcript NM_000051.4 (MANE Select); 4 bases into the intron after coding-DNA position 662, A replaced by G.
Molecular consequence: intron variant.
Genome position (GRCh38, 1-based): chr11:108,244,122, A>G. VCF-style: chr11-108244122-A-G. GRCh37 (hg19) VCF-style: chr11-108114849-A-G.
Other names: c.662+4A>G (NM_001351834.2).
Identifiers: ClinVar variation 481350 (VCV000481350.17), dbSNP rs1555066570, ClinGen allele CA658656177.